The following is an entry in ClinVar:

ClinVar aggregate classification (germline): Benign/Likely benign. Review status: criteria provided, multiple submitters, no conflicts (2 of 4 stars). 4 submissions from 4 submitters: Benign (2); Likely benign (1). 1 of the submissions does not count toward it. Last evaluated 2024-11-26.

Conditions:
PLCD1-related disorder. Also called: PLCD1-related condition.

Allele frequency attached by ClinVar (database versions not stated): gnomAD exomes 0.01849 and 0.02330; ExAC 0.02397; 1000 Genomes Project 0.03235; 1000 Genomes Project 30x 0.03389; ESP Exome Variant Server 0.03491; TOPMed 0.03558; gnomAD 0.03604 and 0.03743.
gnomAD v4.1: 32,793 of 1,613,942 alleles (2%); highest among the groups gnomAD compares: African/African-American, 7.8%; 557 homozygotes.

Submissions (4):

Blueprint Genetics
Classification: Likely benign. Last evaluated: 2024-11-26. Review status: criteria provided, single submitter. Criteria: ACMG Guidelines, 2015. Collection method: clinical testing. Allele origin: germline.

GeneDx
Classification: Benign. Last evaluated: 2018-11-12. Review status: criteria provided, single submitter. Criteria: GeneDx Variant Classification Process June 2021. Collection method: clinical testing. Allele origin: germline. Affected: yes.

Breakthrough Genomics
Classification: Benign. Review status: criteria provided, single submitter. Criteria: ACMG Guidelines, 2015. Collection method: not provided. Allele origin: germline. Inheritance: Autosomal dominant inheritance. Affected: yes.

PreventionGenetics, part of Exact Sciences
Classification: Benign for PLCD1-related condition. Last evaluated: 2024-05-29. Review status: no assertion criteria provided. Collection method: clinical testing. Allele origin: germline. Not counted in ClinVar's aggregate classification.
Comment: This variant is classified as benign based on ACMG/AMP sequence variant interpretation guidelines (Richards et al. 2015 PMID: 25741868, with internal and published modifications).

NM_006225.4(PLCD1):c.366G>A (p.Val122=)

Gene: PLCD1 (phospholipase C delta 1; minus strand). Cytogenetic location: 3p22.2.
Variant type: single nucleotide variant.
Coding change: c.366G>A on transcript NM_006225.4 (MANE Select); coding-DNA position 366, G replaced by A.
Protein change: p.Val122=; no amino-acid change (valine 122 retained).
Molecular consequence: synonymous variant. On other transcripts: non-coding transcript variant (1).
Genome position (GRCh38, 1-based): chr3:38,016,553, C>T on the plus strand (G>A on the coding strand, the complement: PLCD1 is on the minus strand). VCF-style: chr3-38016553-C-T. GRCh37 (hg19) VCF-style: chr3-38058044-C-T.
Other names: c.429G>A, p.Val143= (NM_001130964.2).
Identifiers: ClinVar variation 1228231 (VCV001228231.7), dbSNP rs72863996, ClinGen allele CA2313419.
Genomic context (GRCh38, chr3:38,016,553, plus strand): 5'-CTGTAGCTTCTGACGCTGGTCCATGGAGCCTGAGTGGTGGATGATCTTGTGCAGCCCCAG[C>T]ACCCAGTGCTGGGCATCAGCTGGCGATGGGGCGATGAGGTCTAGTGTATTGCGCTGGTCC-3'
Protein context (NP_006216.2, residues 112-132): APSPADAQHW[Val122=]LGLHKIIHHS